The following is an entry in ClinVar:

ClinVar aggregate classification (germline): Uncertain significance (1 of 4 stars; one submission).

Conditions:
Neurofibromatosis, type 1 (NF1). Also called: NEUROFIBROMATOSIS, TYPE I, SOMATIC; Peripheral type neurofibromatosis; VON RECKLINGHAUSEN DISEASE; Neurofibromatosis, type I. Identifiers: Orphanet 636, MedGen C0027831, MONDO:0018975, OMIM 162200. Disease mechanism: loss of function.

Submission:

Labcorp Genetics (formerly Invitae), Labcorp
Classification: Uncertain significance for Neurofibromatosis, type 1. Last evaluated: 2022-11-10. Review status: criteria provided, single submitter. Criteria: Invitae Variant Classification Sherloc (09022015). Collection method: clinical testing. Allele origin: germline.
Comment: In summary, the available evidence is currently insufficient to determine the role of this variant in disease. Therefore, it has been classified as a Variant of Uncertain Significance. Algorithms developed to predict the effect of sequence changes on RNA splicing suggest that this variant may create or strengthen a splice site. This variant has not been reported in the literature in individuals affected with NF1-related conditions. This variant is not present in population databases (gnomAD no frequency). This sequence change falls in intron 1 of the NF1 gene. It does not directly change the encoded amino acid sequence of the NF1 protein.

NM_001042492.3(NF1):c.61-7486G>C

Gene: NF1 (neurofibromin 1; plus strand). Cytogenetic location: 17q11.2.
Variant type: single nucleotide variant.
Coding change: c.61-7486G>C on transcript NM_001042492.3 (MANE Select); 7486 bases into the intron before coding-DNA position 61, G replaced by C.
Molecular consequence: intron variant.
Genome position (GRCh38, 1-based): chr17:31,148,497, G>C. VCF-style: chr17-31148497-G-C. GRCh37 (hg19) VCF-style: chr17-29475515-G-C.
Other names: c.61-7486G>C (NM_000267.4, NM_001128147.3).
Identifiers: ClinVar variation 2813469 (VCV002813469.3), dbSNP rs1597617010, ClinGen allele CA2739267273.
Genomic context (GRCh38, chr17:31,148,497, plus strand): 5'-CTAAAGGAGTCCAGATTCCTTTTACTGGGAAATGGTCGTTCAAGATTACAACTGAGTGAG[G>C]ATTACTATGGGATTGGTCATTAGTCATTACTATGGGATTGGTCATTGTTTCTAGGCATTT-3'